The following is an entry in ClinVar:

ClinVar aggregate classification (germline): Likely benign (1 of 4 stars; one submission).

gnomAD v4.1: 151 of 1,599,492 alleles (0.0094%); highest among the groups gnomAD compares: East Asian, 0.16%; no homozygotes.

Submission:

CeGaT Center for Human Genetics Tuebingen
Classification: Likely benign. Last evaluated: 2026-03-01. Review status: criteria provided, single submitter. Criteria: CeGaT Center For Human Genetics Tuebingen Variant Classification Criteria Version 2. Collection method: clinical testing. Allele origin: germline. Affected: yes. Observed: 2 variant alleles.
Comment: CAPN15: BP4, BP7

NM_005632.3(CAPN15):c.3255G>A (p.Pro1085=)

Gene: CAPN15 (calpain 15; plus strand). Cytogenetic location: 16p13.3.
Variant type: single nucleotide variant.
Coding change: c.3255G>A on transcript NM_005632.3 (MANE Select); coding-DNA position 3255, G replaced by A.
Protein change: p.Pro1085=; no amino-acid change (proline 1085 retained).
Molecular consequence: synonymous variant.
Genome position (GRCh38, 1-based): chr16:553,510, G>A. VCF-style: chr16-553510-G-A. GRCh37 (hg19) VCF-style: chr16-603510-G-A.
Identifiers: ClinVar variation 4084083 (VCV004084083.8).